The following is an entry in ClinVar:

ClinVar aggregate classification (germline): Likely pathogenic (1 of 4 stars; one submission).

Submission:

GeneDx
Classification: Likely pathogenic. Last evaluated: 2017-02-16. Review status: criteria provided, single submitter. Criteria: GeneDx Variant Classification (06012015). Collection method: clinical testing. Allele origin: germline. Affected: yes.
Comment: Although the c.2127_2128delCG likely pathogenic variant in the KCNH2 gene has not been reported to our knowledge, this variant causes a shift in reading frame starting at codon Asparagine 709, changing it to a Lysine, and creating a premature stop codon at position 13 of the new reading frame, denoted p.Asn709LysfsX13. This pathogenic variant is expected to result in either an abnormal, truncated protein product or loss of protein from this allele through nonsense-mediated mRNA decay. Multiple other downstream frameshift variants in the KCNH2 gene have been reported in Human Gene Mutation Database in association with LQTS (Stenson et al., 2014), indicating that loss of function is a mechanism of disease for this gene. Furthermore, the c.2127_2128delCG variant has not been observed in large population cohorts (Lek et al., 2016; 1000 Genomes Consortium et al., 2015; Exome Variant Server).

NM_000238.4(KCNH2):c.2127_2128del (p.Asn709fs)

Gene: KCNH2 (potassium voltage-gated channel subfamily H member 2; minus strand). Cytogenetic location: 7q36.1.
Variant type: Deletion.
Coding change: c.2127_2128del on transcript NM_000238.4 (MANE Select); coding-DNA positions 2127 to 2128, 2 bases deleted (CG; older notation c.2127_2128delCG).
Protein change: p.Asn709fs; shifts the reading frame from asparagine 709.
Molecular consequence: frameshift variant.
Genome position (GRCh38, 1-based): chr7:150,950,938-150,950,939, CG deleted on the plus strand (CG on the coding strand, the reverse complement: KCNH2 is on the minus strand). VCF-style (leftmost placement, unchanged base first): chr7-150950937-CCG-C. GRCh37 (hg19) VCF-style: chr7-150648025-CCG-C.
Other names: c.1107_1108del, p.Asn369fs (NM_001204798.2, NM_172057.3); c.1839_1840delCG, p.Asn613Lysfs (NM_001406753.1, NM_001406756.1); c.1950_1951delCG, p.Asn650Lysfs (NM_001406755.1); c.1827_1828delCG, p.Asn609Lysfs (NM_001406757.1); c.2127_2128delCG, p.Asn709Lysfs (NM_172056.3); short protein forms N709fs, N369fs.
Identifiers: ClinVar variation 423696 (VCV000423696.4), dbSNP rs1064796584, ClinGen allele CA16618405.